The following is an entry in ClinVar:

NM_001352754.2(ARMC9):c.2395C>G (p.Arg799Gly)

Gene: ARMC9 (armadillo repeat containing 9; plus strand). Cytogenetic location: 2q37.1.
Variant type: single nucleotide variant.
Coding change: c.2395C>G on transcript NM_001352754.2 (MANE Select); coding-DNA position 2395, C replaced by G.
Protein change: p.Arg799Gly; replaces arginine 799 with glycine.
Molecular consequence: missense variant.
Genome position (GRCh38, 1-based): chr2:231,370,086, C>G. VCF-style: chr2-231370086-C-G. GRCh37 (hg19) VCF-style: chr2-232234797-C-G.
Other names: c.2395C>G, p.Arg799Gly (NM_001271466.4); short protein forms R799G.
Identifiers: ClinVar variation 1374087 (VCV001374087.6), dbSNP rs760332256, ClinGen allele CA66863867.

ClinVar aggregate classification (germline): Uncertain significance (1 of 4 stars; one submission).

gnomAD v4.1: 7 of 1,534,536 alleles (0.00046%); highest among the groups gnomAD compares: South Asian, 0.0012%; no homozygotes.

Submission:

Labcorp Genetics (formerly Invitae), Labcorp
Classification: Uncertain significance. Last evaluated: 2021-08-11. Review status: criteria provided, single submitter. Criteria: Invitae Variant Classification Sherloc (09022015). Collection method: clinical testing. Allele origin: germline.
Comment: This sequence change replaces arginine with glycine at codon 799 of the ARMC9 protein (p.Arg799Gly). The arginine residue is wekaly conserved and there is a moderate physicochemical difference between arginine and glycine. The frequency data for this variant in the population databases is considered unreliable, as metrics indicate insufficient coverage at this position in the ExAC database. This variant has not been reported in the literature in individuals affected with ARMC9-related conditions. Experimental studies and prediction algorithms are not available or were not evaluated, and the functional significance of this variant is currently unknown. In summary, the available evidence is currently insufficient to determine the role of this variant in disease. Therefore, it has been classified as a Variant of Uncertain Significance.